The following is an entry in ClinVar:

ClinVar aggregate classification (germline): Pathogenic (1 of 4 stars; one submission).

Conditions:
Hereditary cancer-predisposing syndrome. Also called: Hereditary Cancer Syndrome; Neoplastic Syndromes, Hereditary; Tumor predisposition; Hereditary neoplastic syndrome. Identifiers: Orphanet 140162, MedGen C0027672, MeSH D009386, MONDO:0015356.

Submission:

Ambry Genetics
Classification: Pathogenic for Hereditary cancer-predisposing syndrome. Last evaluated: 2026-07-07. Review status: criteria provided, single submitter. Criteria: Ambry Variant Classification Scheme 2023. Collection method: clinical testing. Allele origin: germline.
Comment: The c.300dupC pathogenic mutation, located in coding exon 2 of the CDKN2A gene, results from a duplication of C at nucleotide position 300, causing a translational frameshift with a predicted alternate stop codon (p.G101Rfs*19). Of note, this variant is also known as c.343dupC (p.R115Pfs*46) in the p14(ARF) isoform. This variant is considered to be rare based on population cohorts in the Genome Aggregation Database (gnomAD). This alteration is expected to result in loss of function by premature protein truncation or nonsense-mediated mRNA decay. As such, this alteration is interpreted as a disease-causing mutation.

NM_000077.5(CDKN2A):c.300dup (p.Gly101fs)

Gene: CDKN2A (cyclin dependent kinase inhibitor 2A; minus strand). Cytogenetic location: 9p21.3.
Variant type: Duplication.
Coding change: c.300dup on transcript NM_000077.5; coding-DNA position 300, one base duplicated (C; older notation c.300dupC).
Protein change: p.Gly101fs; shifts the reading frame from glycine 101.
Molecular consequence: frameshift variant (on NM_000077.4). On other transcripts: 3 prime UTR variant (1).
Genome position (GRCh38, 1-based): chr9:21,971,059, G duplicated on the plus strand (C on the coding strand, the reverse complement: CDKN2A is on the minus strand); the first of 2 consecutive G bases (chr9:21,971,059-21,971,060); duplicating either gives the same sequence. VCF-style (leftmost placement, unchanged base first): chr9-21971058-C-CG. GRCh37 (hg19) VCF-style: chr9-21971057-C-CG.
Other names: c.300dupC (NM_000077.4); c.299dup, p.Gly101Argfs (NM_000077.6); c.300dup, p.Gly101fs (NM_001195132.2); c.147dup, p.Gly50fs (NM_001363763.2); c.343dup, p.Arg115fs (NM_058195.4); c.*223dup (NM_058197.5); short protein forms R115fs, G50fs, G101fs.
Identifiers: ClinVar variation 5034244 (VCV005034244.1).
Genomic context (GRCh38, chr9:21,971,058, plus strand): 5'-GCTCCTCAGCCAGGTCCACGGGCAGACGGCCCCAGGCATCGCGCACGTCCAGCCGCGCCC[C>CG]GGCCCGGTGCAGCACCACCAGCGTGTCCAGGAAGCCCTCCCGGGCAGCGTCGTGCACGGG-3'